The following is an entry in ClinVar:

ClinVar aggregate classification (germline): Benign. Review status: criteria provided, multiple submitters, no conflicts (2 of 4 stars). 3 submissions from 3 submitters: Benign (3). Last evaluated 2018-06-28.

Conditions:
SEPN1-related disorder. Also called: SEPN1-Related Disorders. Identifiers: MedGen CN239420.

Allele frequency attached by ClinVar (database versions not stated): TOPMed 0.02500; gnomAD 0.02379 and 0.02223; gnomAD exomes 0.00246; 1000 Genomes Project 0.02097; 1000 Genomes Project 30x 0.02155.
gnomAD v4.1: 5,093 of 818,310 alleles (0.62%); highest among the groups gnomAD compares: African/African-American, 7.5%; 200 homozygotes.

Submissions (3):

GeneDx
Classification: Benign. Last evaluated: 2018-06-28. Review status: criteria provided, single submitter. Criteria: GeneDx Variant Classification Process June 2021. Collection method: clinical testing. Allele origin: germline. Affected: yes.

Illumina Laboratory Services, Illumina
Classification: Benign for SEPN1-Related Disorders. Last evaluated: 2018-01-12. Review status: criteria provided, single submitter. Criteria: ICSL Variant Classification Criteria 13 December 2019. Collection method: clinical testing. Allele origin: germline.
Comment: This variant was observed in the ICSL laboratory as part of a predisposition screen in an ostensibly healthy population. It had not been previously curated by ICSL or reported in the Human Gene Mutation Database (HGMD: prior to June 1st, 2018), and was therefore a candidate for classification through an automated scoring system. Utilizing variant allele frequency, disease prevalence and penetrance estimates, and inheritance mode, an automated score was calculated to assess if this variant is too frequent to cause the disease. Based on the score and internal cut-off values, a variant classified as benign is not then subjected to further curation. The score for this variant resulted in a classification of benign for this disease.

Breakthrough Genomics
Classification: Benign. Review status: criteria provided, single submitter. Criteria: ACMG Guidelines, 2015. Collection method: not provided. Allele origin: germline. Inheritance: Autosomal recessive inheritance. Affected: yes.

NM_206926.2(SELENON):c.*144C>G

Gene: SELENON (selenoprotein N; plus strand). Cytogenetic location: 1p36.11.
Variant type: single nucleotide variant.
Coding change: c.*144C>G on transcript NM_206926.2 (MANE Select); 144 bases downstream of the stop codon, C replaced by G.
Molecular consequence: 3 prime UTR variant.
Genome position (GRCh38, 1-based): chr1:25,815,862, C>G. VCF-style: chr1-25815862-C-G. GRCh37 (hg19) VCF-style: chr1-26142353-C-G.
Other names: c.*144C>G (NM_020451.3).
Identifiers: ClinVar variation 875350 (VCV000875350.8), dbSNP rs58895091, ClinGen allele CA19699228.
Genomic context (GRCh38, chr1:25,815,862, plus strand): 5'-CCCACTCCCACCCCACTCCTAGGCTGCCTTGGAGGGTACAAGATCCACTGAGGGTGGCCA[C>G]CACAGCCTTGGCTCCATGGTGGCGGGTAGACAAGGGATGCCTGGGCTGACTGGGCAGAGG-3'